The following is an entry in ClinVar:

NM_014795.4(ZEB2):c.916+6T>G

Gene: ZEB2 (zinc finger E-box binding homeobox 2; minus strand). Cytogenetic location: 2q22.3.
Variant type: single nucleotide variant.
Coding change: c.916+6T>G on transcript NM_014795.4 (MANE Select); 6 bases into the intron after coding-DNA position 916, T replaced by G.
Molecular consequence: intron variant.
Genome position (GRCh38, 1-based): chr2:144,401,193, A>C on the plus strand (T>G on the coding strand, the complement: ZEB2 is on the minus strand). VCF-style: chr2-144401193-A-C. GRCh37 (hg19) VCF-style: chr2-145158760-A-C.
Other names: c.844+6T>G (NM_001171653.2).
Identifiers: ClinVar variation 2580854 (VCV002580854.3), dbSNP rs2549107839, ClinGen allele CA2580618154.

ClinVar aggregate classification (germline): Pathogenic (0 of 4 stars; one submission).

Conditions:
Mowat-Wilson syndrome (MOWS). Also called: Classic Mowat-Wilson Syndrome. Identifiers: Orphanet 2152, MedGen C1856113, MONDO:0009341, OMIM 235730.

Submission:

Department of Genetics, Institute for Developmental Research, Aichi Developmental Disability Center
Classification: Pathogenic for Mowat-Wilson syndrome. Last evaluated: 2023-09-01. Review status: no assertion criteria provided. Collection method: research. Allele origin: unknown. Inheritance: Autosomal dominant inheritance. Affected: yes. Observed: 1 heterozygote.
Comment: The submitter has performed minigene assay to prove the variant caused an incomplete splicing aberration leading to loss-of-function of ZEB2. The decreasing of the ZEB2 transcript was milder than those in patients of typical MOWS.